The following is an entry in ClinVar:

ClinVar aggregate classification (germline): Uncertain significance (1 of 4 stars; one submission).

Conditions:
Autosomal dominant Parkinson disease 8. Also called: LRRK2-Related Parkinson Disease; Parkinson disease 8; Parkinson disease 8, susceptibility to. Identifiers: Orphanet 411602, MedGen C1846862, MONDO:0011764, OMIM 607060.

Submission:

Labcorp Genetics (formerly Invitae), Labcorp
Classification: Uncertain significance for Autosomal dominant Parkinson disease 8. Last evaluated: 2025-04-15. Review status: criteria provided, single submitter. Criteria: Invitae Variant Classification Sherloc (09022015). Collection method: clinical testing. Allele origin: germline.
Comment: This sequence change replaces aspartic acid, which is acidic and polar, with tyrosine, which is neutral and polar, at codon 797 of the LRRK2 protein (p.Asp797Tyr). This variant is not present in population databases (gnomAD no frequency). This variant has not been reported in the literature in individuals affected with LRRK2-related conditions. Invitae Evidence Modeling of protein sequence and biophysical properties (such as structural, functional, and spatial information, amino acid conservation, physicochemical variation, residue mobility, and thermodynamic stability) indicates that this missense variant is expected to disrupt LRRK2 protein function with a positive predictive value of 80%. In summary, the available evidence is currently insufficient to determine the role of this variant in disease. Therefore, it has been classified as a Variant of Uncertain Significance.

NM_198578.4(LRRK2):c.2389G>T (p.Asp797Tyr)

Gene: LRRK2 (leucine rich repeat kinase 2; plus strand). Cytogenetic location: 12q12.
Variant type: single nucleotide variant.
Coding change: c.2389G>T on transcript NM_198578.4 (MANE Select); coding-DNA position 2389, G replaced by T.
Protein change: p.Asp797Tyr; replaces aspartic acid 797 with tyrosine.
Molecular consequence: missense variant.
Genome position (GRCh38, 1-based): chr12:40,284,022, G>T. VCF-style: chr12-40284022-G-T. GRCh37 (hg19) VCF-style: chr12-40677824-G-T.
Other names: short protein forms D797Y.
Identifiers: ClinVar variation 4804942 (VCV004804942.1).